The following is an entry in ClinVar:

NM_021625.5(TRPV4):c.2336+1G>A

Gene: TRPV4 (transient receptor potential cation channel subfamily V member 4; minus strand). Cytogenetic location: 12q24.11.
Variant type: single nucleotide variant.
Coding change: c.2336+1G>A on transcript NM_021625.5 (MANE Select); the canonical splice donor site of the intron after coding-DNA position 2336, G replaced by A.
Molecular consequence: splice donor variant.
Genome position (GRCh38, 1-based): chr12:109,786,709, C>T on the plus strand (G>A on the coding strand, the complement: TRPV4 is on the minus strand). VCF-style: chr12-109786709-C-T. GRCh37 (hg19) VCF-style: chr12-110224514-C-T.
Other names: c.2015+1G>A (NM_001177433.1); c.2195+1G>A (NM_001177428.1); c.2156+1G>A (NM_147204.2); c.2234+1G>A (NM_001177431.1).
Identifiers: ClinVar variation 916860 (VCV000916860.11), dbSNP rs771778984, ClinGen allele CA6779961.

ClinVar aggregate classification (germline): Uncertain significance. Review status: criteria provided, multiple submitters, no conflicts (2 of 4 stars). 3 submissions from 3 submitters: Uncertain significance (3). Last evaluated 2024-05-01.

Conditions:
Charcot-Marie-Tooth disease. Also called: Charcot-Marie-Tooth Neuropathy; Charcot-Marie-Tooth Hereditary Neuropathy. Identifiers: Orphanet 166, MedGen C0007959, MONDO:0015626.
Charcot-Marie-Tooth disease axonal type 2C (HMSN2C). Also called: Charcot-Marie-Tooth Disease Type 2, TRPV4-Related (CMT2C); CHARCOT-MARIE-TOOTH DISEASE, AXONAL, AUTOSOMAL DOMINANT, TYPE 2C; Charcot-Marie-Tooth Neuropathy Type 2C. Identifiers: Orphanet 99937, MedGen C1853710, MONDO:0011633, OMIM 606071.

Allele frequency attached by ClinVar (database versions not stated): gnomAD exomes 0.00001; ExAC 0.00001; TOPMed 0.00002; gnomAD 0.00001.
gnomAD v4.1: 23 of 1,613,622 alleles (0.0014%); highest among the groups gnomAD compares: Non-Finnish European, 0.0019%; no homozygotes.

Submissions (3):

Labcorp Genetics (formerly Invitae), Labcorp
Classification: Uncertain significance for Charcot-Marie-Tooth disease axonal type 2C. Last evaluated: 2024-05-01. Review status: criteria provided, single submitter. Criteria: Invitae Variant Classification Sherloc (09022015). Collection method: clinical testing. Allele origin: germline.
Comment: This sequence change affects a donor splice site in intron 14 of the TRPV4 gene. It is expected to disrupt RNA splicing. Variants that disrupt the donor or acceptor splice site typically lead to a loss of protein function (PMID: 16199547), however the current clinical and genetic evidence is not sufficient to establish whether loss-of-function variants in TRPV4 cause disease. This variant is present in population databases (rs771778984, gnomAD 0.002%). Disruption of this splice site has been observed in individual(s) with clinical features of TRPV4-related conditions (PMID: 32376792; Invitae). ClinVar contains an entry for this variant (Variation ID: 916860). Algorithms developed to predict the effect of sequence changes on RNA splicing suggest that this variant may disrupt the consensus splice site. In summary, the available evidence is currently insufficient to determine the role of this variant in disease. Therefore, it has been classified as a Variant of Uncertain Significance.

Women's Health and Genetics/Laboratory Corporation of America, LabCorp
Classification: Uncertain significance. Last evaluated: 2022-06-22. Review status: criteria provided, single submitter. Criteria: LabCorp Variant Classification Summary - May 2015. Collection method: clinical testing. Allele origin: germline.
Comment: Variant summary: TRPV4 c.2336+1G>A is located in a canonical splice-site and is predicted to affect mRNA splicing resulting in a significantly altered protein due to either exon skipping, shortening, or inclusion of intronic material. Several computational tools predict a significant impact on normal splicing: Four predict the variant abolishes a 5 prime splicing donor site. However, these predictions have yet to be confirmed by functional studies. The variant allele was found at a frequency of 1.2e-05 in 250270 control chromosomes. The available data on variant occurrences in the general population are insufficient to allow any conclusion about variant significance. c.2336+1G>A has been reported in the literature in one individual with suspected Charcot-Marie-Tooth disease. This report does not provide unequivocal conclusions about association of the variant with Spondylometaphyseal Dysplasia, Kozlowski Type. To our knowledge, no experimental evidence demonstrating an impact on protein function has been reported. One clinical diagnostic laboratory has submitted clinical-significance assessments for this variant to ClinVar after 2014 without evidence for independent evaluation and classified the variant as uncertain significance. Based on the evidence outlined above, the variant was classified as uncertain significance.

Molecular Genetics Laboratory, London Health Sciences Centre
Classification: Uncertain significance for Charcot-Marie-Tooth disease. Review status: criteria provided, single submitter. Criteria: ACMG Guidelines, 2015. Collection method: clinical testing. Allele origin: germline. Affected: yes.

Literature cited by the submitters: PubMed 16199547 (cited by Labcorp Genetics (formerly Invitae), Labcorp); PubMed 32376792 (cited by Labcorp Genetics (formerly Invitae), Labcorp and Women's Health and Genetics/Laboratory Corporation of America, LabCorp).